The following is an entry in ClinVar:

NM_213599.3(ANO5):c.*1328C>T

Gene: ANO5 (anoctamin 5; plus strand). Cytogenetic location: 11p14.3.
Variant type: single nucleotide variant.
Coding change: c.*1328C>T on transcript NM_213599.3 (MANE Select); 1328 bases downstream of the stop codon, C replaced by T.
Molecular consequence: 3 prime UTR variant.
Genome position (GRCh38, 1-based): chr11:22,281,093, C>T. VCF-style: chr11-22281093-C-T. GRCh37 (hg19) VCF-style: chr11-22302639-C-T.
Other names: c.*1328C>T (NM_001142649.2).
Identifiers: ClinVar variation 304132 (VCV000304132.7), dbSNP rs78089375, ClinGen allele CA10638168.
Genomic context (GRCh38, chr11:22,281,093, plus strand): 5'-CACAAAAATCCTTGTTCTGTTTTCACTTAAAAAAACTAAATATGTATAACTTTGTGTATA[C>T]ACACACACACATCTATATATATAATTATTAGCACTAGAGGGATATAGTCCAGTTATGTAG-3'

ClinVar aggregate classification (germline): Benign/Likely benign. Review status: criteria provided, multiple submitters, no conflicts (2 of 4 stars). 2 submissions from 2 submitters: Benign (1); Likely benign (1). Last evaluated 2021-05-10.

Conditions:
ANO5-Related Muscle Diseases. Identifiers: MedGen CN180644.

Allele frequency attached by ClinVar (database versions not stated): gnomAD 0.01250 and 0.01164; 1000 Genomes Project 0.01438; 1000 Genomes Project 30x 0.01546; TOPMed 0.01333.

Submissions (2):

GeneDx
Classification: Likely benign. Last evaluated: 2021-05-10. Review status: criteria provided, single submitter. Criteria: GeneDx Variant Classification Process June 2021. Collection method: clinical testing. Allele origin: germline. Affected: yes.

Illumina Laboratory Services, Illumina
Classification: Benign for ANO5-Related Muscle Diseases. Last evaluated: 2018-01-13. Review status: criteria provided, single submitter. Criteria: ICSL Variant Classification Criteria 13 December 2019. Collection method: clinical testing. Allele origin: germline.
Comment: This variant was observed in the ICSL laboratory as part of a predisposition screen in an ostensibly healthy population. It had not been previously curated by ICSL or reported in the Human Gene Mutation Database (HGMD: prior to June 1st, 2018), and was therefore a candidate for classification through an automated scoring system. Utilizing variant allele frequency, disease prevalence and penetrance estimates, and inheritance mode, an automated score was calculated to assess if this variant is too frequent to cause the disease. Based on the score and internal cut-off values, a variant classified as benign is not then subjected to further curation. The score for this variant resulted in a classification of benign for this disease.